The following is an entry in ClinVar:

NM_001199107.2(TBC1D24):c.431A>G (p.Tyr144Cys)

Gene: TBC1D24 (TBC1 domain family member 24; plus strand). Cytogenetic location: 16p13.3.
Variant type: single nucleotide variant.
Coding change: c.431A>G on transcript NM_001199107.2 (MANE Select); coding-DNA position 431, A replaced by G.
Protein change: p.Tyr144Cys; replaces tyrosine 144 with cysteine.
Molecular consequence: missense variant.
Genome position (GRCh38, 1-based): chr16:2,496,579, A>G. VCF-style: chr16-2496579-A-G. GRCh37 (hg19) VCF-style: chr16-2546580-A-G.
Other names: c.431A>G, p.Tyr144Cys (NM_020705.3); short protein forms Y144C.
Identifiers: ClinVar variation 658235 (VCV000658235.9), dbSNP rs1596968109, ClinGen allele CA394375970.
Genomic context (GRCh38, chr16:2,496,579, plus strand): 5'-AGTTCCCCGACATCTCCTTCTGCCCCGCCCTGCCGGCCGTGGTGGCCCTGCTGCTGCACT[A>G]CAGCATCGACGAGGCCGAGTGCTTCGAGAAGGCCTGCCGCATCCTGGCCTGCAATGACCC-3'
Protein context (NP_001186036.1, residues 134-154): LPAVVALLLH[Tyr144Cys]SIDEAECFEK

ClinVar aggregate classification (germline): Uncertain significance (1 of 4 stars; one submission).

Conditions:
Autosomal dominant nonsyndromic hearing loss 65. Also called: Deafness, autosomal dominant 65; TBC1D24-Related Autosomal Dominant Nonsyndromic Hearing Loss (DFNA). Identifiers: Orphanet 90635, MedGen C3892048, MONDO:0014470, OMIM 616044.
Developmental and epileptic encephalopathy, 1 (DEE1). Also called: Epileptic encephalopathy, early infantile, 1; X-linked infantile spasms; West's syndrome; Tonic spasms with clustering, arrest of psychomotor development and hypsarrhythmia on EEG; X-Linked Infantile Spasm Syndrome; OHTAHARA SYNDROME, X-LINKED. Identifiers: MedGen C3463992, MONDO:0010632, OMIM 308350. Disease mechanism: loss of function.

Submission:

Labcorp Genetics (formerly Invitae), Labcorp
Classification: Uncertain significance for Developmental and epileptic encephalopathy, 1; Autosomal dominant nonsyndromic hearing loss 65. Last evaluated: 2025-11-06. Review status: criteria provided, single submitter. Criteria: Invitae Variant Classification Sherloc (09022015). Collection method: clinical testing. Allele origin: germline.
Comment: This sequence change replaces tyrosine, which is neutral and polar, with cysteine, which is neutral and slightly polar, at codon 144 of the TBC1D24 protein (p.Tyr144Cys). This variant is not present in population databases (gnomAD no frequency). This missense change has been observed in individual(s) with clinical features of autosomal recessive TBC1D24-related conditions (PMID: 31112829). In at least one individual the data is consistent with being in trans (on the opposite chromosome) from a pathogenic variant. ClinVar contains an entry for this variant (Variation ID: 658235). Invitae Evidence Modeling of protein sequence and biophysical properties (such as structural, functional, and spatial information, amino acid conservation, physicochemical variation, residue mobility, and thermodynamic stability) has been performed for this missense variant. However, the output from this modeling did not meet the statistical confidence thresholds required to predict the impact of this variant on TBC1D24 protein function. In summary, the available evidence is currently insufficient to determine the role of this variant in disease. Therefore, it has been classified as a Variant of Uncertain Significance.

Literature cited by the submitters: PubMed 31112829.